The following is an entry in ClinVar:

ClinVar aggregate classification (germline): Uncertain significance. Review status: criteria provided, multiple submitters, no conflicts (2 of 4 stars). 6 submissions from 6 submitters: Uncertain significance (6). Last evaluated 2025-12-06.

Conditions:
Brugada syndrome 8 (BRGDA8). Identifiers: Orphanet 130, MedGen C2751083, MONDO:0013148, OMIM 613123.
Sick sinus syndrome 2, autosomal dominant (SSS2). Also called: SICK SINUS SYNDROME 2; SICK SINUS SYNDROME 2 WITH OR WITHOUT CARDIAC NONCOMPACTION AND/OR ASCENDING AORTA DILATION; ATRIAL FIBRILLATION WITH BRADYARRHYTHMIA; SINUS BRADYCARDIA SYNDROME, FAMILIAL, AUTOSOMAL DOMINANT; SINUS NODE DISEASE, FAMILIAL, AUTOSOMAL DOMINANT. Identifiers: Orphanet 166282, MedGen C1834144, MONDO:0008102, OMIM 163800.
Epilepsy, idiopathic generalized, susceptibility to, 18. Identifiers: MedGen C5561983, MONDO:0030434, OMIM 619521.
Cardiovascular phenotype. Identifiers: MedGen CN230736.

Allele frequency attached by ClinVar (database versions not stated): gnomAD exomes 0.00002; gnomAD 0.00003 and 0.00006; TOPMed 0.00004.

Submissions (6):

Labcorp Genetics (formerly Invitae), Labcorp
Classification: Uncertain significance for Brugada syndrome 8. Last evaluated: 2025-12-06. Review status: criteria provided, single submitter. Criteria: Invitae Variant Classification Sherloc (09022015). Collection method: clinical testing. Allele origin: germline.
Comment: This sequence change replaces alanine, which is neutral and non-polar, with valine, which is neutral and non-polar, at codon 1098 of the HCN4 protein (p.Ala1098Val). The frequency data for this variant in the population databases is considered unreliable, as metrics indicate poor data quality at this position in the gnomAD database. This missense change has been observed in individual(s) with dilated cardiomyopathy (PMID: 28254189). ClinVar contains an entry for this variant (Variation ID: 425072). Invitae Evidence Modeling of protein sequence and biophysical properties (such as structural, functional, and spatial information, amino acid conservation, physicochemical variation, residue mobility, and thermodynamic stability) has been performed for this missense variant. However, the output from this modeling did not meet the statistical confidence thresholds required to predict the impact of this variant on HCN4 protein function. In summary, the available evidence is currently insufficient to determine the role of this variant in disease. Therefore, it has been classified as a Variant of Uncertain Significance.

Ambry Genetics
Classification: Uncertain significance for Cardiovascular phenotype. Last evaluated: 2025-03-21. Review status: criteria provided, single submitter. Criteria: Ambry Variant Classification Scheme 2023. Collection method: clinical testing. Allele origin: germline.
Comment: The p.A1098V variant (also known as c.3293C>T), located in coding exon 8 of the HCN4 gene, results from a C to T substitution at nucleotide position 3293. The alanine at codon 1098 is replaced by valine, an amino acid with similar properties. This variant was reported in an individual with dilated cardiomyopathy with limited clinical details provided (Arbustini E et al. J. Am. Coll. Cardiol., 2017 Mar;69:1210-1211). This amino acid position is well conserved in available vertebrate species. In addition, this alteration is predicted to be tolerated by in silico analysis. Since supporting evidence is limited at this time, the clinical significance of this alteration remains unclear.

Blueprint Genetics
Classification: Uncertain significance. Last evaluated: 2024-08-22. Review status: criteria provided, single submitter. Criteria: ACMG Guidelines, 2015. Collection method: clinical testing. Allele origin: germline.

Fulgent Genetics
Classification: Uncertain significance for Sick sinus syndrome 2, autosomal dominant; Brugada syndrome 8; Epilepsy, idiopathic generalized, susceptibility to, 18. Last evaluated: 2021-10-11. Review status: criteria provided, single submitter. Criteria: ACMG Guidelines, 2015. Collection method: clinical testing. Allele origin: unknown.

GeneDx
Classification: Uncertain significance. Last evaluated: 2020-10-19. Review status: criteria provided, single submitter. Criteria: GeneDx Variant Classification Process June 2021. Collection method: clinical testing. Allele origin: germline. Affected: yes.
Comment: Has not been previously published as pathogenic or benign to our knowledge; Reported in ClinVar but additional evidence is not available (ClinVar Variant ID #425072; Landrum et al., 2016); In silico analysis supports that this missense variant does not alter protein structure/function

CeGaT Center for Human Genetics Tuebingen
Classification: Uncertain significance. Last evaluated: 2016-11-01. Review status: criteria provided, single submitter. Criteria: CeGaT Center For Human Genetics Tuebingen Variant Classification Criteria Version 2. Collection method: clinical testing. Allele origin: germline. Affected: yes. Observed: 1 variant allele.

Literature cited by the submitters: PubMed 28254189 (cited by Labcorp Genetics (formerly Invitae), Labcorp and Ambry Genetics).

NM_005477.3(HCN4):c.3293C>T (p.Ala1098Val)

Gene: HCN4 (hyperpolarization activated cyclic nucleotide gated potassium channel 4; minus strand). Cytogenetic location: 15q24.1.
Variant type: single nucleotide variant.
Coding change: c.3293C>T on transcript NM_005477.3 (MANE Select); coding-DNA position 3293, C replaced by T.
Protein change: p.Ala1098Val; replaces alanine 1098 with valine.
Molecular consequence: missense variant.
Genome position (GRCh38, 1-based): chr15:73,322,800, G>A on the plus strand (C>T on the coding strand, the complement: HCN4 is on the minus strand). VCF-style: chr15-73322800-G-A. GRCh37 (hg19) VCF-style: chr15-73615141-G-A.
Other names: short protein forms A1098V.
Identifiers: ClinVar variation 425072 (VCV000425072.55), dbSNP rs1064797200, ClinGen allele CA16621676.
Genomic context (GRCh38, chr15:73,322,800, plus strand): 5'-AGCGGGAAGGCAGCCATGGACTCCCCTGAGGAGTGCGGGGAGGCTCTGCGGAGAGTCTGC[G>A]CCCCGTCCTGAGGCAGGGCTGGCTGAGACGCGGAGATGAGCTTGAGGTCCTGGGTGAGGC-3'
Protein context (NP_005468.1, residues 1088-1108): ASQPALPQDG[Ala1098Val]QTLRRASPHS